The following is an entry in ClinVar:

NM_004614.5(TK2):c.17T>C (p.Leu6Pro)

Gene: TK2 (thymidine kinase 2; minus strand). Cytogenetic location: 16q21.
Variant type: single nucleotide variant.
Coding change: c.17T>C on transcript NM_004614.5 (MANE Select); coding-DNA position 17, T replaced by C.
Protein change: p.Leu6Pro; replaces leucine 6 with proline.
Molecular consequence: missense variant. On other transcripts: 5 prime UTR variant (2), non-coding transcript variant (1), intron variant (2).
Genome position (GRCh38, 1-based): chr16:66,550,045, A>G on the plus strand (T>C on the coding strand, the complement: TK2 is on the minus strand). VCF-style: chr16-66550045-A-G. GRCh37 (hg19) VCF-style: chr16-66583948-A-G.
Other names: c.17T>C, p.Leu6Pro (NM_001172644.2, NM_001172645.2); c.-226T>C (NM_001271934.2); c.-636T>C (NM_001272050.2); c.31+208T>C (NM_001271935.1, NM_001172643.1); short protein forms L6P.
Identifiers: ClinVar variation 1942336 (VCV001942336.2), dbSNP rs779367525, ClinGen allele CA8093854.

ClinVar aggregate classification (germline): Uncertain significance (1 of 4 stars; one submission).

Allele frequency attached by ClinVar (database versions not stated): gnomAD exomes below 0.00001; ExAC 0.00006.
gnomAD v4.1: 5 of 1,568,614 alleles (0.00032%); highest among the groups gnomAD compares: South Asian, 0.0012%; no homozygotes.

Submission:

Labcorp Genetics (formerly Invitae), Labcorp
Classification: Uncertain significance. Last evaluated: 2022-02-22. Review status: criteria provided, single submitter. Criteria: Invitae Variant Classification Sherloc (09022015). Collection method: clinical testing. Allele origin: germline.
Comment: This sequence change replaces leucine, which is neutral and non-polar, with proline, which is neutral and non-polar, at codon 6 of the TK2 protein (p.Leu6Pro). The frequency data for this variant in the population databases is considered unreliable, as metrics indicate poor data quality at this position in the gnomAD database. This variant has not been reported in the literature in individuals affected with TK2-related conditions. Algorithms developed to predict the effect of missense changes on protein structure and function are either unavailable or do not agree on the potential impact of this missense change (SIFT: "Deleterious"; PolyPhen-2: "Probably Damaging"; Align-GVGD: "Class C0"). In summary, the available evidence is currently insufficient to determine the role of this variant in disease. Therefore, it has been classified as a Variant of Uncertain Significance.